The following is an entry in ClinVar:

ClinVar aggregate classification (germline): Pathogenic (1 of 4 stars; one submission).

Conditions:
Severe myoclonic epilepsy in infancy (DRVT). Also called: Epileptic encephalopathy, early infantile, 6 (Dravet syndrome); SEVERE MYOCLONIC EPILEPSY OF INFANCY; DEVELOPMENTAL AND EPILEPTIC ENCEPHALOPATHY 6A; Severe Myoclonic Epilepsy in Infancy (SMEI); Dravet syndrome. Identifiers: Orphanet 33069, MedGen C0751122, MONDO:0100135, OMIM 607208.

Allele frequency attached by ClinVar (database versions not stated): TOPMed 0.00001.

Submission:

Center for Bioinformatics, Peking University
Classification: Pathogenic for Dravet syndrome. Last evaluated: 2014-12-20. Review status: criteria provided, single submitter. Criteria: Xu et al. (Hum Mutat. 2015). Collection method: research. Allele origin: de novo. Affected: yes. Observed: 2 variant alleles. Study: University Clinical Cooperation “985 Project” PKU-2014-1-1.
Comment: Dravet syndrome (DS) probands were recruited from the outpatient and inpatient child neurology units of Peking University First Hospital from 2005 till present. The study was approved by the Ethics Committee of Peking University First Hospital and the Institutional Review Board at Peking University. Participants or their parents provided written informed consent before enrollment. We collected a total of 267 mutations from 255 families with probands diagnosed with DS in China. All probands fulfilled the clinical diagnostic criteria.

NM_001165963.4(SCN1A):c.4547C>G (p.Ser1516Trp)

Genes: SCN1A (sodium voltage-gated channel alpha subunit 1; minus strand), LOC102724058 (uncharacterized LOC102724058; plus strand). Cytogenetic location: 2q24.3.
Variant type: single nucleotide variant.
Coding change: c.4547C>G on transcript NM_001165963.4 (MANE Select); coding-DNA position 4547, C replaced by G.
Protein change: p.Ser1516Trp; replaces serine 1516 with tryptophan.
Molecular consequence: missense variant. On other transcripts: non-coding transcript variant (1).
Genome position (GRCh38, 1-based): chr2:165,996,047, G>C on the plus strand (C>G on the coding strand, the complement: SCN1A is on the minus strand). VCF-style: chr2-165996047-G-C. GRCh37 (hg19) VCF-style: chr2-166852557-G-C.
Other names: c.4463C>G, p.Ser1488Trp (NM_001165964.3, NM_001353957.2, NM_001353958.2); c.4547C>G, p.Ser1516Trp (NM_001202435.3, NM_001353948.2); c.4514C>G, p.Ser1505Trp (NM_001353949.2, NM_001353950.2, NM_001353951.2 and 2 more transcripts); c.4511C>G, p.Ser1504Trp (NM_001353954.2, NM_001353955.2); c.4460C>G, p.Ser1487Trp (NM_001353960.2); c.2105C>G, p.Ser702Trp (NM_001353961.2); short protein forms S1505W, S1516W, S1488W, S702W, S1487W, S1504W.
Identifiers: ClinVar variation 189923 (VCV000189923.1), dbSNP rs139300715, ClinGen allele CA303318.